The following is an entry in ClinVar:

NM_015047.3(EMC1):c.877del (p.Leu293fs)

Genes: EMC1 (ER membrane protein complex subunit 1; minus strand), EMC1-AS1 (EMC1 antisense RNA 1; plus strand). Cytogenetic location: 1p36.13.
Variant type: Deletion.
Coding change: c.877del on transcript NM_015047.3 (MANE Select); coding-DNA position 877, one base deleted (C; older notation c.877delC).
Protein change: p.Leu293fs; shifts the reading frame from leucine 293.
Molecular consequence: frameshift variant.
Genome position (GRCh38, 1-based): chr1:19,239,895, G deleted on the plus strand (C on the coding strand, the reverse complement: EMC1 is on the minus strand); the first of 2 consecutive G bases (chr1:19,239,895-19,239,896); deleting either gives the same sequence. VCF-style (leftmost placement, unchanged base first): chr1-19239894-AG-A. GRCh37 (hg19) VCF-style: chr1-19566388-AG-A.
Other names: c.877del, p.Leu293fs (NM_001271427.2, NM_001271428.2, NM_001375820.1 and 1 more transcripts); c.811del, p.Leu271fs (NM_001271429.2); short protein forms L271fs, L293fs.
Identifiers: ClinVar variation 1452487 (VCV001452487.6), dbSNP rs767324448, ClinGen allele CA652765.
Genomic context (GRCh38, chr1:19,239,894, plus strand): 5'-AGCAAACTCAGCGTTCCATAATGGTACTGCAGCAGAGCATAGTGGCTTGGGGACAAGTGC[AG>A]GAAGAACTGGGCCCGGGAAGCGTCCACTGGGTTGGGCTGGGTAGGCAGGACCCGGGGTTG-3'

ClinVar aggregate classification (germline): Pathogenic (1 of 4 stars; one submission).

Submission:

Labcorp Genetics (formerly Invitae), Labcorp
Classification: Pathogenic. Last evaluated: 2021-09-18. Review status: criteria provided, single submitter. Criteria: Invitae Variant Classification Sherloc (09022015). Collection method: clinical testing. Allele origin: germline.
Comment: This sequence change creates a premature translational stop signal (p.Leu293Cysfs*18) in the EMC1 gene. It is expected to result in an absent or disrupted protein product. Loss-of-function variants in EMC1 are known to be pathogenic (PMID: 26572623, 26942288, 29271071). For these reasons, this variant has been classified as Pathogenic. This variant has not been reported in the literature in individuals affected with EMC1-related conditions. This variant is present in population databases (rs767324448, ExAC 0.006%).

Literature cited by the submitters: PubMed 26572623; PubMed 26942288; PubMed 29271071.